The following is an entry in ClinVar:

NM_198488.5(FAM83H):c.3403C>T (p.Arg1135Cys)

Gene: FAM83H (family with sequence similarity 83 member H; minus strand). Cytogenetic location: 8q24.3.
Variant type: single nucleotide variant.
Coding change: c.3403C>T on transcript NM_198488.5 (MANE Select); coding-DNA position 3403, C replaced by T.
Protein change: p.Arg1135Cys; replaces arginine 1135 with cysteine.
Molecular consequence: missense variant.
Genome position (GRCh38, 1-based): chr8:143,726,058, G>A on the plus strand (C>T on the coding strand, the complement: FAM83H is on the minus strand). VCF-style: chr8-143726058-G-A. GRCh37 (hg19) VCF-style: chr8-144808228-G-A.
Other names: short protein forms R1135C.
Identifiers: ClinVar variation 3233960 (VCV003233960.2), dbSNP rs1272345829, ClinGen allele CA372453407.

ClinVar aggregate classification (germline): Uncertain significance (1 of 4 stars; one submission).

Allele frequency attached by ClinVar (database versions not stated): gnomAD 0.00001; gnomAD exomes 0.00001; TOPMed 0.00001.
gnomAD v4.1: 8 of 1,612,246 alleles (0.0005%); highest among the groups gnomAD compares: Admixed American, 0.0033%; no homozygotes.

Submission:

Women's Health and Genetics/Laboratory Corporation of America, LabCorp
Classification: Uncertain significance. Last evaluated: 2024-03-29. Review status: criteria provided, single submitter. Criteria: LabCorp Variant Classification Summary - May 2015. Collection method: clinical testing. Allele origin: germline.
Comment: Variant summary: FAM83H c.3403C>T (p.Arg1135Cys) results in a non-conservative amino acid change in the encoded protein sequence. Three of five in-silico tools predict a damaging effect of the variant on protein function. The variant allele was found at a frequency of 8.2e-06 in 244314 control chromosomes. The available data on variant occurrences in the general population are insufficient to allow any conclusion about variant significance. To our knowledge, no occurrence of c.3403C>T in individuals affected with Amelogenesis Imperfecta, Hypocalcification Type and no experimental evidence demonstrating its impact on protein function have been reported. No submitters have cited clinical-significance assessments for this variant to ClinVar. Based on the evidence outlined above, the variant was classified as uncertain significance.